The following is an entry in ClinVar:

ClinVar aggregate classification (germline): Uncertain significance (1 of 4 stars; one submission).

Allele frequency attached by ClinVar (database versions not stated): gnomAD 0.00002; 1000 Genomes Project 30x 0.00031; 1000 Genomes Project 0.00040.

Submission:

Labcorp Genetics (formerly Invitae), Labcorp
Classification: Uncertain significance. Last evaluated: 2023-11-24. Review status: criteria provided, single submitter. Criteria: Invitae Variant Classification Sherloc (09022015). Collection method: clinical testing. Allele origin: germline.
Comment: This sequence change replaces arginine, which is basic and polar, with histidine, which is basic and polar, at codon 200 of the APOA4 protein (p.Arg200His). This variant is present in population databases (rs140566468, gnomAD 0.01%). This variant has not been reported in the literature in individuals affected with APOA4-related conditions. Advanced modeling of protein sequence and biophysical properties (such as structural, functional, and spatial information, amino acid conservation, physicochemical variation, residue mobility, and thermodynamic stability) performed at Invitae indicates that this missense variant is not expected to disrupt APOA4 protein function with a negative predictive value of 80%. In summary, the available evidence is currently insufficient to determine the role of this variant in disease. Therefore, it has been classified as a Variant of Uncertain Significance.

NM_000482.4(APOA4):c.599G>A (p.Arg200His)

Gene: APOA4 (apolipoprotein A4; minus strand). Cytogenetic location: 11q23.3.
Variant type: single nucleotide variant.
Coding change: c.599G>A on transcript NM_000482.4 (MANE Select); coding-DNA position 599, G replaced by A.
Protein change: p.Arg200His; replaces arginine 200 with histidine.
Molecular consequence: missense variant.
Genome position (GRCh38, 1-based): chr11:116,821,459, C>T on the plus strand (G>A on the coding strand, the complement: APOA4 is on the minus strand). VCF-style: chr11-116821459-C-T. GRCh37 (hg19) VCF-style: chr11-116692175-C-T.
Other names: short protein forms R200H.
Identifiers: ClinVar variation 2995593 (VCV002995593.3), dbSNP rs140566468, ClinGen allele CA6289369.